The following is an entry in ClinVar:

ClinVar aggregate classification (germline): Conflicting classifications of pathogenicity. Review status: criteria provided, conflicting classifications (1 of 4 stars). 4 submissions from 4 submitters: Likely pathogenic (2); Uncertain significance (2). Last evaluated 2025-12-18.

Conditions:
PHKA2-related disorder. Also called: PHKA2-related condition.
Glycogen storage disease IXa1. Also called: LIVER GLYCOGENOSIS, X-LINKED, TYPE I; Glycogen storage disease 8; GLYCOGEN STORAGE DISEASE VIII; GSD VIII. Identifiers: Orphanet 264580, MedGen C3694531, MONDO:0010598, OMIM 306000.

Allele frequency attached by ClinVar (database versions not stated): ExAC 0.00001; gnomAD 0.00001; TOPMed 0.00001; ESP Exome Variant Server 0.00009.
gnomAD v4.1: 6 of 1,162,078 alleles (0.00052%); highest among the groups gnomAD compares: South Asian, 0.0018%; no homozygotes.

Submissions (4):

GeneDx
Classification: Likely pathogenic. Last evaluated: 2025-12-18. Review status: criteria provided, single submitter. Criteria: GeneDx Variant Classification Process June 2021. Collection method: clinical testing. Allele origin: germline.
Comment: Not observed at significant frequency in large population cohorts (gnomAD); In silico analysis suggests that this missense variant does not alter protein structure/function; This variant is associated with the following publications: (PMID: 35905201, 28085675, 39707443)

Women's Health and Genetics/Laboratory Corporation of America, LabCorp
Classification: Uncertain significance. Last evaluated: 2024-11-13. Review status: criteria provided, single submitter. Criteria: LabCorp Variant Classification Summary - May 2015. Collection method: clinical testing. Allele origin: germline.
Comment: Variant summary: PHKA2 c.721A>G (p.Ile241Val) results in a conservative amino acid change located in the Glycosyl hydrolases family 15 ( IPR011613) of the encoded protein sequence. Three of five in-silico tools predict a benign effect of the variant on protein function. The variant allele was found at a frequency of 5.5e-06 in 183175 control chromosomes. The available data on variant occurrences in the general population are insufficient to allow any conclusion about variant significance. c.721A>G has been reported in the literature in individuals affected with Glycogen storage disease type IX (Hodax_2017). These data do not allow any conclusion about variant significance. To our knowledge, no experimental evidence demonstrating an impact on protein function has been reported. The following publication have been ascertained in the context of this evaluation (PMID: 28085675). ClinVar contains an entry for this variant (Variation ID: 655014). Based on the evidence outlined above, the variant was classified as uncertain significance.

Labcorp Genetics (formerly Invitae), Labcorp
Classification: Uncertain significance for Glycogen storage disease IXa1. Last evaluated: 2022-09-07. Review status: criteria provided, single submitter. Criteria: Invitae Variant Classification Sherloc (09022015). Collection method: clinical testing. Allele origin: germline.
Comment: This sequence change replaces isoleucine, which is neutral and non-polar, with valine, which is neutral and non-polar, at codon 241 of the PHKA2 protein (p.Ile241Val). This variant is present in population databases (rs367696431, gnomAD 0.008%). This missense change has been observed in individuals with glycogen storage disease type IX (PMID: 28085675). ClinVar contains an entry for this variant (Variation ID: 655014). Algorithms developed to predict the effect of missense changes on protein structure and function (SIFT, PolyPhen-2, Align-GVGD) all suggest that this variant is likely to be tolerated. In summary, the available evidence is currently insufficient to determine the role of this variant in disease. Therefore, it has been classified as a Variant of Uncertain Significance.

Blueprint Genetics
Classification: Likely pathogenic for PHKA2-related disorders. Last evaluated: 2019-02-27. Review status: criteria provided, single submitter. Criteria: ACMG Guidelines, 2015. Collection method: clinical testing. Allele origin: germline. Affected: yes. Observed: 1 variant allele.

Literature cited by the submitters: PubMed 28085675 (cited by Women's Health and Genetics/Laboratory Corporation of America, LabCorp and Labcorp Genetics (formerly Invitae), Labcorp).

NM_000292.3(PHKA2):c.721A>G (p.Ile241Val)

Gene: PHKA2 (phosphorylase kinase regulatory subunit alpha 2; minus strand). Cytogenetic location: Xp22.13.
Variant type: single nucleotide variant.
Coding change: c.721A>G on transcript NM_000292.3 (MANE Select); coding-DNA position 721, A replaced by G.
Protein change: p.Ile241Val; replaces isoleucine 241 with valine.
Molecular consequence: missense variant.
Genome position (GRCh38, 1-based): chrX:18,941,672, T>C on the plus strand (A>G on the coding strand, the complement: PHKA2 is on the minus strand). VCF-style: chrX-18941672-T-C. GRCh37 (hg19) VCF-style: chrX-18959790-T-C.
Other names: short protein forms I241V.
Identifiers: ClinVar variation 655014 (VCV000655014.12), dbSNP rs367696431, ClinGen allele CA10362053.